The following is an entry in ClinVar:

NM_006767.4(LZTR1):c.791+70C>T

Gene: LZTR1 (leucine zipper like post translational regulator 1; plus strand). Cytogenetic location: 22q11.21.
Variant type: single nucleotide variant.
Coding change: c.791+70C>T on transcript NM_006767.4 (MANE Select); 70 bases into the intron after coding-DNA position 791, C replaced by T.
Molecular consequence: intron variant.
Genome position (GRCh38, 1-based): chr22:20,990,595, C>T. VCF-style: chr22-20990595-C-T. GRCh37 (hg19) VCF-style: chr22-21344884-C-T.
Identifiers: ClinVar variation 561411 (VCV000561411.2), dbSNP rs2073989, ClinGen allele CA14920733.

ClinVar aggregate classification (germline): Benign. Review status: criteria provided, multiple submitters, no conflicts (2 of 4 stars). 2 submissions from 2 submitters: Benign (2). Last evaluated 2018-06-14.

Allele frequency attached by ClinVar (database versions not stated): 1000 Genomes Project 0.18750; 1000 Genomes Project 30x 0.18926; gnomAD 0.26646 and 0.27044; TOPMed 0.28201; gnomAD exomes 0.33255.
gnomAD v4.1: 480,425 of 1,476,362 alleles (33%); highest among the groups gnomAD compares: Admixed American, 39%; 84,127 homozygotes.

Submissions (2):

GeneDx
Classification: Benign. Last evaluated: 2018-06-14. Review status: criteria provided, single submitter. Criteria: GeneDx Variant Classification (06012015). Collection method: clinical testing. Allele origin: germline. Affected: yes.
Comment: This variant is considered likely benign or benign based on one or more of the following criteria: it is a conservative change, it occurs at a poorly conserved position in the protein, it is predicted to be benign by multiple in silico algorithms, and/or has population frequency not consistent with disease.

Breakthrough Genomics
Classification: Benign. Review status: criteria provided, single submitter. Criteria: ACMG Guidelines, 2015. Collection method: not provided. Allele origin: germline. Inheritance: Autosomal recessive inheritance. Affected: yes.